The following is an entry in ClinVar:

ClinVar aggregate classification (germline): Likely benign. Review status: criteria provided, single submitter (1 of 4 stars). 2 submissions from 2 submitters: Likely benign (1). 1 of the submissions does not count toward it. Last evaluated 2025-03-18.

Conditions:
DNAH8-related disorder. Also called: DNAH8-related condition.
Primary ciliary dyskinesia. Also called: Ciliary dyskinesia. Identifiers: Orphanet 244, MedGen C0008780, MONDO:0016575, HP:0012265.

Allele frequency attached by ClinVar (database versions not stated): ExAC 0.00013.
gnomAD v4.1: 34 of 1,613,864 alleles (0.0021%); highest among the groups gnomAD compares: Admixed American, 0.023%; no homozygotes.

Submissions (2):

Labcorp Genetics (formerly Invitae), Labcorp
Classification: Likely benign for Primary ciliary dyskinesia. Last evaluated: 2025-03-18. Review status: criteria provided, single submitter. Criteria: Invitae Variant Classification Sherloc (09022015). Collection method: clinical testing. Allele origin: germline.

PreventionGenetics, part of Exact Sciences
Classification: Likely benign for DNAH8-related condition. Last evaluated: 2019-11-14. Review status: no assertion criteria provided. Collection method: clinical testing. Allele origin: germline. Not counted in ClinVar's aggregate classification.
Comment: This variant is classified as likely benign based on ACMG/AMP sequence variant interpretation guidelines (Richards et al. 2015 PMID: 25741868, with internal and published modifications).

NM_001206927.2(DNAH8):c.8832G>A (p.Ser2944=)

Gene: DNAH8 (dynein axonemal heavy chain 8; plus strand). Cytogenetic location: 6p21.2.
Variant type: single nucleotide variant.
Coding change: c.8832G>A on transcript NM_001206927.2 (MANE Select); coding-DNA position 8832, G replaced by A.
Protein change: p.Ser2944=; no amino-acid change (serine 2944 retained).
Molecular consequence: synonymous variant.
Genome position (GRCh38, 1-based): chr6:38,896,117, G>A. VCF-style: chr6-38896117-G-A. GRCh37 (hg19) VCF-style: chr6-38863893-G-A.
Other names: c.8181G>A, p.Ser2727= (NM_001371.4); c.8832G>A (NM_001206927.1).
Identifiers: ClinVar variation 2148220 (VCV002148220.6), dbSNP rs748123661, ClinGen allele CA3790322.